The following is an entry in ClinVar:

NM_005228.5(EGFR):c.2824G>T (p.Asp942Tyr)

Gene: EGFR (epidermal growth factor receptor; plus strand). Cytogenetic location: 7p11.2.
Variant type: single nucleotide variant.
Coding change: c.2824G>T on transcript NM_005228.5 (MANE Select); coding-DNA position 2824, G replaced by T.
Protein change: p.Asp942Tyr; replaces aspartic acid 942 with tyrosine.
Molecular consequence: missense variant.
Genome position (GRCh38, 1-based): chr7:55,198,839, G>T. VCF-style: chr7-55198839-G-T. GRCh37 (hg19) VCF-style: chr7-55266532-G-T.
Other names: c.2689G>T, p.Asp897Tyr (NM_001346897.2, NM_001346899.2); c.2824G>T, p.Asp942Tyr (NM_001346898.2); c.2665G>T, p.Asp889Tyr (NM_001346900.2); c.2023G>T, p.Asp675Tyr (NM_001346941.2); short protein forms D889Y, D942Y, D675Y, D897Y.
Identifiers: ClinVar variation 2829761 (VCV002829761.3), dbSNP rs967910623, ClinGen allele CA367581433.

ClinVar aggregate classification (germline): Uncertain significance (1 of 4 stars; one submission).

Conditions:
EGFR-related lung cancer (EGFR). Identifiers: MedGen CN130014.

Submission:

Labcorp Genetics (formerly Invitae), Labcorp
Classification: Uncertain significance for EGFR-related lung cancer. Last evaluated: 2023-12-18. Review status: criteria provided, single submitter. Criteria: Invitae Variant Classification Sherloc (09022015). Collection method: clinical testing. Allele origin: germline.
Comment: This sequence change replaces aspartic acid, which is acidic and polar, with tyrosine, which is neutral and polar, at codon 942 of the EGFR protein (p.Asp942Tyr). This variant is not present in population databases (gnomAD no frequency). This variant has not been reported in the literature in individuals affected with EGFR-related conditions. Advanced modeling of protein sequence and biophysical properties (such as structural, functional, and spatial information, amino acid conservation, physicochemical variation, residue mobility, and thermodynamic stability) performed at Invitae indicates that this missense variant is expected to disrupt EGFR protein function with a positive predictive value of 80%. In summary, the available evidence is currently insufficient to determine the role of this variant in disease. Therefore, it has been classified as a Variant of Uncertain Significance.